The following is an entry in ClinVar:

ClinVar aggregate classification (germline): Uncertain significance (1 of 4 stars; one submission).

Submission:

CeGaT Center for Human Genetics Tuebingen
Classification: Uncertain significance. Last evaluated: 2022-07-01. Review status: criteria provided, single submitter. Criteria: CeGaT Center For Human Genetics Tuebingen Variant Classification Criteria Version 2. Collection method: clinical testing. Allele origin: germline. Affected: yes. Observed: 1 variant allele.
Comment: WASHC5: PM2

NM_014846.4(WASHC5):c.139G>C (p.Asp47His)

Gene: WASHC5 (WASH complex subunit 5; minus strand). Cytogenetic location: 8q24.13.
Variant type: single nucleotide variant.
Coding change: c.139G>C on transcript NM_014846.4 (MANE Select); coding-DNA position 139, G replaced by C.
Protein change: p.Asp47His; replaces aspartic acid 47 with histidine.
Molecular consequence: missense variant. On other transcripts: intron variant (1).
Genome position (GRCh38, 1-based): chr8:125,083,760, C>G on the plus strand (G>C on the coding strand, the complement: WASHC5 is on the minus strand). VCF-style: chr8-125083760-C-G. GRCh37 (hg19) VCF-style: chr8-126096002-C-G.
Other names: c.-258-502G>C (NM_001330609.2); short protein forms D47H.
Identifiers: ClinVar variation 2658806 (VCV002658806.24), dbSNP rs2537392111, ClinGen allele CA372268221.